The following is an entry in ClinVar:

NM_001184.4(ATR):c.5656C>G (p.Arg1886Gly)

Gene: ATR (ATR checkpoint kinase; minus strand). Cytogenetic location: 3q23.
Variant type: single nucleotide variant.
Coding change: c.5656C>G on transcript NM_001184.4 (MANE Select); coding-DNA position 5656, C replaced by G.
Protein change: p.Arg1886Gly; replaces arginine 1886 with glycine.
Molecular consequence: missense variant.
Genome position (GRCh38, 1-based): chr3:142,497,095, G>C on the plus strand (C>G on the coding strand, the complement: ATR is on the minus strand). VCF-style: chr3-142497095-G-C. GRCh37 (hg19) VCF-style: chr3-142215937-G-C.
Other names: c.5464C>G, p.Arg1822Gly (NM_001354579.2); short protein forms R1886G, R1822G.
Identifiers: ClinVar variation 2567777 (VCV002567777.2), dbSNP rs141429029, ClinGen allele CA354814693.

ClinVar aggregate classification (germline): Uncertain significance (1 of 4 stars; one submission).

Conditions:
Inborn genetic diseases. Identifiers: MedGen C0950123, MeSH D030342.

Submission:

Ambry Genetics
Classification: Uncertain significance for Inborn genetic diseases. Last evaluated: 2023-03-17. Review status: criteria provided, single submitter. Criteria: Ambry Variant Classification Scheme 2023. Collection method: clinical testing. Allele origin: germline.
Comment: The p.R1886G variant (also known as c.5656C>G), located in coding exon 33 of the ATR gene, results from a C to G substitution at nucleotide position 5656. The arginine at codon 1886 is replaced by glycine, an amino acid with dissimilar properties. This amino acid position is conserved. In addition, this alteration is predicted to be deleterious by in silico analysis. Since supporting evidence is limited at this time, the clinical significance of this alteration remains unclear.